The following is an entry in ClinVar:

ClinVar aggregate classification (germline): Uncertain significance. Review status: criteria provided, multiple submitters, no conflicts (2 of 4 stars). 2 submissions from 2 submitters: Uncertain significance (2). Last evaluated 2025-05-16.

Conditions:
Glycogen storage disease IXd (GSD9D). Also called: Muscle Phosphorylase Kinase Deficiency; GSD IXd. Identifiers: Orphanet 715, MedGen C1845151, MONDO:0010362, OMIM 300559.
Inborn genetic diseases. Identifiers: MedGen C0950123, MeSH D030342.

Allele frequency attached by ClinVar (database versions not stated): ExAC 0.00001; gnomAD 0.00001; gnomAD exomes 0.00001 and 0.00003; TOPMed 0.00001.
gnomAD v4.1: 35 of 1,207,521 alleles (0.0029%); highest among the groups gnomAD compares: Non-Finnish European, 0.0038%; no homozygotes.

Submissions (2):

Ambry Genetics
Classification: Uncertain significance for Inborn genetic diseases. Last evaluated: 2025-05-16. Review status: criteria provided, single submitter. Criteria: Ambry Variant Classification Scheme 2023. Collection method: clinical testing. Allele origin: germline.

Labcorp Genetics (formerly Invitae), Labcorp
Classification: Uncertain significance for Glycogen storage disease IXd. Last evaluated: 2024-10-16. Review status: criteria provided, single submitter. Criteria: Invitae Variant Classification Sherloc (09022015). Collection method: clinical testing. Allele origin: germline.
Comment: This sequence change replaces alanine, which is neutral and non-polar, with glycine, which is neutral and non-polar, at codon 15 of the PHKA1 protein (p.Ala15Gly). This variant is present in population databases (rs782659023, gnomAD 0.002%). This variant has not been reported in the literature in individuals affected with PHKA1-related conditions. ClinVar contains an entry for this variant (Variation ID: 959000). Invitae Evidence Modeling of protein sequence and biophysical properties (such as structural, functional, and spatial information, amino acid conservation, physicochemical variation, residue mobility, and thermodynamic stability) indicates that this missense variant is not expected to disrupt PHKA1 protein function with a negative predictive value of 80%. In summary, the available evidence is currently insufficient to determine the role of this variant in disease. Therefore, it has been classified as a Variant of Uncertain Significance.

NM_002637.4(PHKA1):c.44C>G (p.Ala15Gly)

Gene: PHKA1 (phosphorylase kinase regulatory subunit alpha 1; minus strand). Cytogenetic location: Xq13.1.
Variant type: single nucleotide variant.
Coding change: c.44C>G on transcript NM_002637.4 (MANE Select); coding-DNA position 44, C replaced by G.
Protein change: p.Ala15Gly; replaces alanine 15 with glycine.
Molecular consequence: missense variant.
Genome position (GRCh38, 1-based): chrX:72,713,837, G>C on the plus strand (C>G on the coding strand, the complement: PHKA1 is on the minus strand). VCF-style: chrX-72713837-G-C. GRCh37 (hg19) VCF-style: chrX-71933685-G-C.
Other names: c.44C>G, p.Ala15Gly (NM_001122670.2, NM_001172436.2); short protein forms A15G.
Identifiers: ClinVar variation 959000 (VCV000959000.11), dbSNP rs782659023, ClinGen allele CA10451119.